The following is an entry in ClinVar:

ClinVar aggregate classification (germline): Uncertain significance (1 of 4 stars; one submission).

gnomAD v4.1: 89 of 1,614,200 alleles (0.0055%); highest among the groups gnomAD compares: South Asian, 0.075%; no homozygotes.

Submission:

GeneDx
Classification: Uncertain significance. Last evaluated: 2023-11-16. Review status: criteria provided, single submitter. Criteria: GeneDx Variant Classification Process June 2021. Collection method: clinical testing. Allele origin: germline. Affected: yes.
Comment: In silico analysis supports that this missense variant does not alter protein structure/function; Has not been previously published as pathogenic or benign to our knowledge

NM_020314.7(VPS35L):c.1318A>G (p.Ile440Val)

Gene: VPS35L (VPS35 endosomal protein sorting factor like; plus strand). Cytogenetic location: 16p12.3.
Variant type: single nucleotide variant.
Coding change: c.1318A>G on transcript NM_020314.7 (MANE Select); coding-DNA position 1318, A replaced by G.
Protein change: p.Ile440Val; replaces isoleucine 440 with valine.
Molecular consequence: missense variant. On other transcripts: non-coding transcript variant (2).
Genome position (GRCh38, 1-based): chr16:19,627,740, A>G. VCF-style: chr16-19627740-A-G. GRCh37 (hg19) VCF-style: chr16-19639062-A-G.
Other names: c.1117A>G, p.Ile373Val (NM_001300743.3, NM_001365294.2); c.1318A>G, p.Ile440Val (NM_001365293.2); c.430A>G, p.Ile144Val (NM_001365295.2); short protein forms I144V, I373V, I440V.
Identifiers: ClinVar variation 3364325 (VCV003364325.1).
Genomic context (GRCh38, chr16:19,627,740, plus strand): 5'-TCTGTGTCTTGCAGTGCCTTGCTGTTGAATTCTGTGATGTCTGCCTTCCGGGCTGAGTTC[A>G]TCGCCACAAGGTCTATGGATTTCATTGGCATGATTAAAGAGTGTGATGAATCTGGTTTCC-3'
Protein context (NP_064710.5, residues 430-450): SVMSAFRAEF[Ile440Val]ATRSMDFIGM